The following is an entry in ClinVar:

NM_001079.4(ZAP70):c.1775G>A (p.Arg592His)

Gene: ZAP70 (zeta chain of T cell receptor associated protein kinase 70; plus strand). Cytogenetic location: 2q11.2.
Variant type: single nucleotide variant.
Coding change: c.1775G>A on transcript NM_001079.4 (MANE Select); coding-DNA position 1775, G replaced by A.
Protein change: p.Arg592His; replaces arginine 592 with histidine.
Molecular consequence: missense variant.
Genome position (GRCh38, 1-based): chr2:97,739,413, G>A. VCF-style: chr2-97739413-G-A. GRCh37 (hg19) VCF-style: chr2-98355876-G-A.
Other names: c.1775G>A, p.Arg592His (NM_001378594.1); c.854G>A, p.Arg285His (NM_207519.2); short protein forms R285H, R592H.
Identifiers: ClinVar variation 1008440 (VCV001008440.8), dbSNP rs200586622, ClinGen allele CA52566200.

ClinVar aggregate classification (germline): Uncertain significance (1 of 4 stars; one submission).

Conditions:
Combined immunodeficiency due to ZAP70 deficiency (IMD48). Also called: Immunodeficiency 48; ZAP70 Deficiency. Identifiers: Orphanet 911, MedGen C2931299, MONDO:0010023, OMIM 269840.

Allele frequency attached by ClinVar (database versions not stated): gnomAD exomes below 0.00001.

Submission:

Labcorp Genetics (formerly Invitae), Labcorp
Classification: Uncertain significance for Combined immunodeficiency due to ZAP70 deficiency. Last evaluated: 2022-03-19. Review status: criteria provided, single submitter. Criteria: Invitae Variant Classification Sherloc (09022015). Collection method: clinical testing. Allele origin: germline.
Comment: In summary, the available evidence is currently insufficient to determine the role of this variant in disease. Therefore, it has been classified as a Variant of Uncertain Significance. Algorithms developed to predict the effect of missense changes on protein structure and function are either unavailable or do not agree on the potential impact of this missense change (SIFT: "Not Available"; PolyPhen-2: "Possibly Damaging"; Align-GVGD: "Not Available"). ClinVar contains an entry for this variant (Variation ID: 1008440). This variant has not been reported in the literature in individuals affected with ZAP70-related conditions. This variant is not present in population databases (gnomAD no frequency). This sequence change replaces arginine, which is basic and polar, with histidine, which is basic and polar, at codon 592 of the ZAP70 protein (p.Arg592His).